The following is an entry in ClinVar:

NM_001184880.2(PCDH19):c.370G>T (p.Asp124Tyr)

Gene: PCDH19 (protocadherin 19; minus strand). Cytogenetic location: Xq22.1.
Variant type: single nucleotide variant.
Coding change: c.370G>T on transcript NM_001184880.2 (MANE Select); coding-DNA position 370, G replaced by T.
Protein change: p.Asp124Tyr; replaces aspartic acid 124 with tyrosine.
Molecular consequence: missense variant.
Genome position (GRCh38, 1-based): chrX:100,408,228, C>A on the plus strand (G>T on the coding strand, the complement: PCDH19 is on the minus strand). VCF-style: chrX-100408228-C-A. GRCh37 (hg19) VCF-style: chrX-99663226-C-A.
Other names: p.D124Y:GAC>TAC; c.370G>T, p.Asp124Tyr (NM_001105243.2, NM_020766.3); short protein forms D124Y.
Identifiers: ClinVar variation 206311 (VCV000206311.2), dbSNP rs796052797, ClinGen allele CA316290.

ClinVar aggregate classification (germline): Likely pathogenic (1 of 4 stars; one submission).

Submission:

GeneDx
Classification: Likely pathogenic. Last evaluated: 2016-09-20. Review status: criteria provided, single submitter. Criteria: GeneDx Variant Classification (06012015). Collection method: clinical testing. Allele origin: germline. Affected: yes.
Comment: The Asp124Tyr missense change has not been published as a pathogenic variant, nor has it been reported as a benign polymorphism to our knowledge. It was not observed in approximately 5,200 individuals of European and African American ancestry in the NHLBI Exome Sequencing Project, indicating it is not a common benign variant in these populations. Asp124Tyr is a non-conservative amino acid substitution as a negatively charged Aspartic acid residue is replaced with an uncharged Tyrosine reside. The variant occurs in the first cadherin domain at a highly conserved position in the protein. Multiple in silico algorithms predict that Asp124Tyr is damaging to the structure/function of the PCDH19 protein. Therefore, based on the currently available information, Asp124Tyr is a strong candidate for a pathogenic variant, although the possibility that it is a benign variant cannot be excluded. This variant has been observed de novo without verified parentage.The variant is found in CHILD-EPI panel(s).